The following is an entry in ClinVar:

NM_000823.4(GHRHR):c.1146+19T>C

Gene: GHRHR (growth hormone releasing hormone receptor; plus strand). Cytogenetic location: 7p14.3.
Variant type: single nucleotide variant.
Coding change: c.1146+19T>C on transcript NM_000823.4 (MANE Select); 19 bases into the intron after coding-DNA position 1146, T replaced by C.
Molecular consequence: intron variant.
Genome position (GRCh38, 1-based): chr7:30,977,341, T>C. VCF-style: chr7-30977341-T-C. GRCh37 (hg19) VCF-style: chr7-31016956-T-C.
Identifiers: ClinVar variation 1655414 (VCV001655414.9), dbSNP rs529351362, ClinGen allele CA4208815.

ClinVar aggregate classification (germline): Likely benign. Review status: criteria provided, multiple submitters, no conflicts (2 of 4 stars). 2 submissions from 2 submitters: Likely benign (2). Last evaluated 2025-03-29.

Allele frequency attached by ClinVar (database versions not stated): gnomAD 0.00004 and 0.00005; TOPMed 0.00005; gnomAD exomes 0.00006 and 0.00010; ExAC 0.00008; 1000 Genomes Project 30x 0.00016; 1000 Genomes Project 0.00020.
gnomAD v4.1: 94 of 1,611,304 alleles (0.0058%); highest among the groups gnomAD compares: Middle Eastern, 0.22%; no homozygotes.

Submissions (2):

Women's Health and Genetics/Laboratory Corporation of America, LabCorp
Classification: Likely benign. Last evaluated: 2025-03-29. Review status: criteria provided, single submitter. Criteria: LabCorp Variant Classification Summary - May 2015. Collection method: clinical testing. Allele origin: germline.
Comment: Variant summary: GHRHR c.1146+19T>C alters a nucleotide located at a position not widely known to affect splicing. Consensus agreement among computation tools predict no significant impact on normal splicing. However, these predictions have yet to be confirmed by functional studies. The variant allele was found at a frequency of 9.5e-05 in 251490 control chromosomes. This frequency is not significantly higher than estimated for a pathogenic variant in GHRHR causing Isolated growth hormone deficiency, type 4, allowing no conclusion about variant significance. To our knowledge, no occurrence of c.1146+19T>C in individuals affected with Isolated growth hormone deficiency, type 4 and no experimental evidence demonstrating its impact on protein function have been reported. ClinVar contains an entry for this variant (Variation ID: 1655414). Based on the evidence outlined above, the variant was classified as likely benign.

Labcorp Genetics (formerly Invitae), Labcorp
Classification: Likely benign. Last evaluated: 2022-08-22. Review status: criteria provided, single submitter. Criteria: Invitae Variant Classification Sherloc (09022015). Collection method: clinical testing. Allele origin: germline.